The following is an entry in ClinVar:

NM_000302.4(PLOD1):c.975+2_975+3insTT

Gene: PLOD1 (procollagen-lysine,2-oxoglutarate 5-dioxygenase 1; plus strand). Cytogenetic location: 1p36.22.
Variant type: Insertion.
Coding change: c.975+2_975+3insTT on transcript NM_000302.4 (MANE Select); the canonical splice donor site of the intron after coding-DNA position 975 through 3 bases into the intron after coding-DNA position 975, TT inserted.
Molecular consequence: splice donor variant.
Genome position: GRCh38 VCF-style: chr1-11958648-G-GTT. GRCh37 (hg19) VCF-style: chr1-12018705-G-GTT.
Other names: NM_001316320.2:c.1116+2_1116+3insTT; c.1116+2_1116+3insTT (NM_001316320.2).
Identifiers: ClinVar variation 2500940 (VCV002500940.1), dbSNP rs2522834464, ClinGen allele CA2573320610.

ClinVar aggregate classification (germline): Likely pathogenic (1 of 4 stars; one submission).

Conditions:
Ehlers-Danlos syndrome, kyphoscoliotic type 1 (EDSKSCL1). Also called: Ehlers-Danlos syndrome, hydroxylysine-deficient; EHLERS-DANLOS SYNDROME, TYPE VIA; EHLERS-DANLOS SYNDROME, OCULAR-SCOLIOTIC TYPE; PLOD1-Related Kyphoscoliotic Ehlers-Danlos Syndrome. Identifiers: Orphanet 1900, MedGen C0268342, MONDO:0016002, OMIM 225400. Disease mechanism: loss of function.

Submission:

Broad Center for Mendelian Genomics, Broad Institute of MIT and Harvard
Classification: Likely pathogenic for Ehlers-Danlos syndrome, kyphoscoliotic type 1. Last evaluated: 2023-05-02. Review status: criteria provided, single submitter. Criteria: ACMG Guidelines, 2015. Collection method: curation. Allele origin: germline. Inheritance: Autosomal recessive inheritance.
Comment: The homozygous c.975+2_975+3insTT variant in PLOD1 was identified by our study in two siblings with Ehlers-Danlos syndrome kyphoscoliotic type 1. The c.975+2_975+3insTT variant in PLOD1 has been reported in one homozygous individual with Ehlers-Danlos syndrome kyphoscoliotic type 1 (PMID: 9502428). This variant was absent from large population studies. RNA analysis of patient tissue showed that the variant results in an in-frame deletion of 132 nucleotides from exon 9, leading to decreased expression of the truncated transcript (<15% versus unaffected controls) and reduced expression of the encoded protein to approximately 20% versus unaffected controls (PMID: 9502428). This variant is located in the 5' splice region. Computational tools predict a splicing impact, though this information is not predictive enough to determine pathogenicity. There is an in-frame cryptic splice site 2 bases from the intron-exon boundary, providing evidence that this variant may delete 43 amino acids instead of causing loss of function. However, this information is not predictive enough to determine pathogenicity. Loss of function of the PLOD1 gene is an established disease mechanism in autosomal recessive Ehlers-Danlos syndrome kyphoscoliotic type 1. In summary, although additional studies are required to fully establish its clinical significance, this variant is likely pathogenic for autosomal recessive Ehlers-Danlos syndrome kyphoscoliotic type 1. ACMG/AMP Criteria applied: PVS1_Strong, PS3_Moderate, PM2_Supporting, PM3 (Richards 2015).